The following is an entry in ClinVar:

ClinVar aggregate classification (germline): Uncertain significance (1 of 4 stars; one submission).

Conditions:
Cardiovascular phenotype. Identifiers: MedGen CN230736.

Submission:

Ambry Genetics
Classification: Uncertain significance for Cardiovascular phenotype. Last evaluated: 2025-09-11. Review status: criteria provided, single submitter. Criteria: Ambry Variant Classification Scheme 2023. Collection method: clinical testing. Allele origin: germline.
Comment: The p.P494H variant (also known as c.1481C>A), located in coding exon 10 of the CBL gene, results from a C to A substitution at nucleotide position 1481. The proline at codon 494 is replaced by histidine, an amino acid with similar properties. This amino acid position is conserved. In addition, the in silico prediction for this alteration is inconclusive. Based on the available evidence, the clinical significance of this variant remains unclear.

NM_005188.4(CBL):c.1481C>A (p.Pro494His)

Gene: CBL (Cbl proto-oncogene; plus strand). Cytogenetic location: 11q23.3.
Variant type: single nucleotide variant.
Coding change: c.1481C>A on transcript NM_005188.4 (MANE Select); coding-DNA position 1481, C replaced by A.
Protein change: p.Pro494His; replaces proline 494 with histidine.
Molecular consequence: missense variant.
Genome position (GRCh38, 1-based): chr11:119,285,018, C>A. VCF-style: chr11-119285018-C-A. GRCh37 (hg19) VCF-style: chr11-119155728-C-A.
Other names: short protein forms P494H.
Identifiers: ClinVar variation 4219936 (VCV004219936.1).